The following is an entry in ClinVar:

NM_006218.4(PIK3CA):c.2167AAG[1] (p.Lys724del)

Gene: PIK3CA (phosphatidylinositol-4,5-bisphosphate 3-kinase catalytic subunit alpha; plus strand). Cytogenetic location: 3q26.32.
Variant type: Microsatellite.
Coding change: c.2167AAG[1] on transcript NM_006218.4 (MANE Select); one copy of the 3-base unit AAG starting at c.2167; the reference has two copies in a row; one copy, 3 bases deleted; also written c.2170_2172del.
Protein change: p.Lys724del; deletes lysine 724.
Molecular consequence: inframe deletion. On other transcripts: inframe indel (2).
Genome position (GRCh38, 1-based): chr3:179,221,140-179,221,142, AAG deleted; deleting any 3 consecutive bases within chr3:179,221,135-179,221,142 gives the same sequence; the position shown is the placement nearest the transcript's 3' end. VCF-style (leftmost placement, unchanged base first): chr3-179221134-GAGA-G. GRCh37 (hg19) VCF-style: chr3-178938922-GAGA-G.
Other names: c.2170_2172del (NM_006218.2); c.2167_2169AAG[1], p.Lys724del (NM_006218.2); short protein forms K724del.
Identifiers: ClinVar variation 3253103 (VCV003253103.2), dbSNP rs1560145921.
Genomic context (GRCh38, chr3:179,221,134, plus strand): 5'-CTGAATAGGCAAGTCGAGGCAATGGAAAAGCTCATTAACTTAACTGACATTCTCAAACAG[GAGA>G]AGAAGGATGAAACACAAAAGGTGTGTGACTCTAGTTTGTGTTTGAGACTCTTTTCACTGC-3'

ClinVar aggregate classification (germline): Uncertain significance (1 of 4 stars; one submission).

Submission:

GeneDx
Classification: Uncertain significance. Last evaluated: 2026-05-02. Review status: criteria provided, single submitter. Criteria: GeneDx Variant Classification Process June 2021. Collection method: clinical testing. Allele origin: germline.
Comment: In-frame deletion of 1 amino acid in a non-repeat region; In silico analysis suggests that this variant does not alter protein structure/function; Not observed at significant frequency in large population cohorts (gnomAD); Has not been previously published as pathogenic or benign to our knowledge